The following is an entry in ClinVar:

NC_000019.9:g.(?_17448325)_(17450409_17451852)dup

Gene: GTPBP3 (GTP binding protein 3, mitochondrial; plus strand). Cytogenetic location: 19p13.11.
Variant type: Duplication.
Identifiers: ClinVar variation 2429304 (VCV002429304.3).

ClinVar aggregate classification (germline): Uncertain significance (1 of 4 stars; one submission).

Submission:

Women's Health and Genetics/Laboratory Corporation of America, LabCorp
Classification: Uncertain significance. Last evaluated: 2023-01-24. Review status: criteria provided, single submitter. Criteria: LabCorp Variant Classification Summary - May 2015. Collection method: clinical testing. Allele origin: germline.
Comment: Variant summary: The variant identified by MLPA or other technology involves the duplication of exons 1-6 in the GTPBP3 gene. A presumed nomenclature of c.(?_-96)_(1070+1_1071-1)dup has been designated for the purposes of this classification. It has been assumed that this is a tandem duplication in direct orientation (Richardson_GIM_2018, Newman_AJHG_2015). Although exact breakpoints of this CNV are not known, it is expected to result in a large duplication in the GTPBP3 gene, involving the initiation codon. The variant was absent in 21694 control chromosomes in the gnomAD database (structural variants dataset). The available data on variant occurrences in the general population are insufficient to allow any conclusion about variant significance. To our knowledge, no occurrence of c.(?_-96)_(1070+1_1071-1)dup in individuals affected with Combined Oxidative Phosphorylation Defect Type 23 and no experimental evidence demonstrating its impact on protein function have been reported. One clinical diagnostic laboratory has submitted clinical-significance assessments for a similar variant to ClinVar after 2014 and classified the variant as benign. Based on the evidence outlined above, the variant was classified as uncertain significance.